The following is an entry in ClinVar:

NM_024105.4(ALG12):c.617T>A (p.Val206Glu)

Gene: ALG12 (ALG12 alpha-1,6-mannosyltransferase; minus strand). Cytogenetic location: 22q13.33.
Variant type: single nucleotide variant.
Coding change: c.617T>A on transcript NM_024105.4 (MANE Select); coding-DNA position 617, T replaced by A.
Protein change: p.Val206Glu; replaces valine 206 with glutamic acid.
Molecular consequence: missense variant.
Genome position (GRCh38, 1-based): chr22:49,909,941, A>T on the plus strand (T>A on the coding strand, the complement: ALG12 is on the minus strand). VCF-style: chr22-49909941-A-T. GRCh37 (hg19) VCF-style: chr22-50303589-A-T.
Other names: short protein forms V206E.
Identifiers: ClinVar variation 1348656 (VCV001348656.5), dbSNP rs150664343, ClinGen allele CA10300545.

ClinVar aggregate classification (germline): Uncertain significance (1 of 4 stars; one submission).

Conditions:
ALG12-congenital disorder of glycosylation (CDG1G). Also called: Congenital disorder of glycosylation, type Ig; ALG12-CDG; CDG Ig. Identifiers: Orphanet 79324, MedGen C2931001, MONDO:0011783, OMIM 607143.

Allele frequency attached by ClinVar (database versions not stated): ExAC 0.00003; TOPMed 0.00003; gnomAD 0.00004 and 0.00005; gnomAD exomes 0.00004; ESP Exome Variant Server 0.00023.

Submission:

Labcorp Genetics (formerly Invitae), Labcorp
Classification: Uncertain significance for ALG12-congenital disorder of glycosylation. Last evaluated: 2021-09-01. Review status: criteria provided, single submitter. Criteria: Invitae Variant Classification Sherloc (09022015). Collection method: clinical testing. Allele origin: germline.
Comment: This sequence change replaces valine with glutamic acid at codon 206 of the ALG12 protein (p.Val206Glu). The valine residue is moderately conserved and there is a moderate physicochemical difference between valine and glutamic acid. This variant is present in population databases (rs150664343, ExAC 0.01%). This variant has not been reported in the literature in individuals affected with ALG12-related conditions. Algorithms developed to predict the effect of missense changes on protein structure and function are either unavailable or do not agree on the potential impact of this missense change (SIFT: "Deleterious"; PolyPhen-2: "Possibly Damaging"; Align-GVGD: "Class C0"). In summary, the available evidence is currently insufficient to determine the role of this variant in disease. Therefore, it has been classified as a Variant of Uncertain Significance.